The following is an entry in ClinVar:

NM_001292063.2(OTOG):c.7722C>T (p.Pro2574=)

Gene: OTOG (otogelin; plus strand). Cytogenetic location: 11p15.1.
Variant type: single nucleotide variant.
Coding change: c.7722C>T on transcript NM_001292063.2 (MANE Select); coding-DNA position 7722, C replaced by T.
Protein change: p.Pro2574=; no amino-acid change (proline 2574 retained).
Molecular consequence: synonymous variant.
Genome position (GRCh38, 1-based): chr11:17,635,638, C>T. VCF-style: chr11-17635638-C-T. GRCh37 (hg19) VCF-style: chr11-17657185-C-T.
Other names: c.7758C>T (NM_001277269.1); c.7758C>T, p.Pro2586= (NM_001277269.2).
Identifiers: ClinVar variation 1185112 (VCV001185112.10), dbSNP rs1260956852, ClinGen allele CA473310973.

ClinVar aggregate classification (germline): Likely benign. Review status: criteria provided, multiple submitters, no conflicts (2 of 4 stars). 3 submissions from 3 submitters: Likely benign (2). 1 of the submissions does not count toward it. Last evaluated 2023-12-22.

Conditions:
Autosomal recessive nonsyndromic hearing loss 18B. Also called: Deafness, autosomal recessive 18b. Identifiers: Orphanet 90636, MedGen C3554163, MONDO:0013985, OMIM 614945.

Allele frequency attached by ClinVar (database versions not stated): gnomAD exomes 0.00001; TOPMed 0.00005.
gnomAD v4.1: 23 of 1,550,410 alleles (0.0015%); highest among the groups gnomAD compares: Admixed American, 0.0059%; no homozygotes.

Submissions (3):

Labcorp Genetics (formerly Invitae), Labcorp
Classification: Likely benign. Last evaluated: 2023-12-22. Review status: criteria provided, single submitter. Criteria: Invitae Variant Classification Sherloc (09022015). Collection method: clinical testing. Allele origin: germline.

GeneDx
Classification: Likely benign. Last evaluated: 2021-06-07. Review status: criteria provided, single submitter. Criteria: GeneDx Variant Classification Process June 2021. Collection method: clinical testing. Allele origin: germline. Affected: yes.
Comment: See Variant Classification Assertion Criteria.

WangQJ Lab, Chinese People's Liberation Army General Hospital
Classification: Uncertain significance for Autosomal recessive nonsyndromic hearing loss 18B. Last evaluated: 2021-07-01. Review status: no assertion criteria provided. Collection method: clinical testing. Allele origin: maternal. Affected: yes. Not counted in ClinVar's aggregate classification.